The following is an entry in ClinVar:

NM_000836.4(GRIN2D):c.3752A>C (p.His1251Pro)

Gene: GRIN2D (glutamate ionotropic receptor NMDA type subunit 2D; plus strand). Cytogenetic location: 19q13.33.
Variant type: single nucleotide variant.
Coding change: c.3752A>C on transcript NM_000836.4 (MANE Select); coding-DNA position 3752, A replaced by C.
Protein change: p.His1251Pro; replaces histidine 1251 with proline.
Molecular consequence: missense variant.
Genome position (GRCh38, 1-based): chr19:48,443,678, A>C. VCF-style: chr19-48443678-A-C. GRCh37 (hg19) VCF-style: chr19-48946935-A-C.
Other names: c.3752A>C (NM_000836.2); short protein forms H1251P.
Identifiers: ClinVar variation 1441875 (VCV001441875.7), dbSNP rs896032166, ClinGen allele CA309299523.

ClinVar aggregate classification (germline): Conflicting classifications of pathogenicity. Review status: criteria provided, conflicting classifications (1 of 4 stars). 2 submissions from 2 submitters: Uncertain significance (1); Likely benign (1). Last evaluated 2026-01-13.

Conditions:
Inborn genetic diseases. Identifiers: MedGen C0950123, MeSH D030342.

Allele frequency attached by ClinVar (database versions not stated): gnomAD exomes below 0.00001; TOPMed 0.00011; gnomAD 0.00012 and 0.00013; 1000 Genomes Project 30x 0.00016.
gnomAD v4.1: 22 of 1,215,112 alleles (0.0018%); highest among the groups gnomAD compares: African/African-American, 0.034%; no homozygotes.

Submissions (2):

Labcorp Genetics (formerly Invitae), Labcorp
Classification: Uncertain significance. Last evaluated: 2026-01-13. Review status: criteria provided, single submitter. Criteria: Invitae Variant Classification Sherloc (09022015). Collection method: clinical testing. Allele origin: germline.
Comment: This sequence change replaces histidine, which is basic and polar, with proline, which is neutral and non-polar, at codon 1251 of the GRIN2D protein (p.His1251Pro). This variant is present in population databases (no rsID available, gnomAD 0.04%). This variant has not been reported in the literature in individuals affected with GRIN2D-related conditions. ClinVar contains an entry for this variant (Variation ID: 1441875). Invitae Evidence Modeling of protein sequence and biophysical properties (such as structural, functional, and spatial information, amino acid conservation, physicochemical variation, residue mobility, and thermodynamic stability) indicates that this missense variant is not expected to disrupt GRIN2D protein function with a negative predictive value of 95%. In summary, the available evidence is currently insufficient to determine the role of this variant in disease. Therefore, it has been classified as a Variant of Uncertain Significance.

Ambry Genetics
Classification: Likely benign for Inborn genetic diseases. Last evaluated: 2023-12-29. Review status: criteria provided, single submitter. Criteria: Ambry Variant Classification Scheme 2023. Collection method: clinical testing. Allele origin: germline.

Literature cited by the submitters: PubMed 36413997 (cited by Ambry Genetics).